The following is an entry in ClinVar:

ClinVar aggregate classification (germline): Benign/Likely benign. Review status: criteria provided, multiple submitters, no conflicts (2 of 4 stars). 10 submissions from 10 submitters: Benign (7); Likely benign (3). Last evaluated 2026-08-01.

Conditions:
Early-infantile DEE. Also called: Early infantile epileptic encephalopathy with suppression bursts; Ohtahara syndrome; Early infantile epileptic encephalopathy. Identifiers: Orphanet 1934, MedGen C0393706, MONDO:0800491.
Inborn genetic diseases. Identifiers: MedGen C0950123, MeSH D030342.
Developmental and epileptic encephalopathy, 5 (DEE5). Identifiers: Orphanet 3451, MedGen C3150731, MONDO:0013277, OMIM 613477.

Allele frequency attached by ClinVar (database versions not stated): 1000 Genomes Project 30x 0.00031; 1000 Genomes Project 0.00040; gnomAD 0.00097 and 0.00098; TOPMed 0.00100; ESP Exome Variant Server 0.00115; gnomAD exomes 0.00118 and 0.00125; ExAC 0.00119.
gnomAD v4.1: 1,998 of 1,614,042 alleles (0.12%); highest among the groups gnomAD compares: Middle Eastern, 0.33%; 2 homozygotes.

Submissions (10):

CeGaT Center for Human Genetics Tuebingen
Classification: Likely benign. Last evaluated: 2026-08-01. Review status: criteria provided, single submitter. Criteria: CeGaT Center For Human Genetics Tuebingen Variant Classification Criteria Version 2. Collection method: clinical testing. Allele origin: germline. Affected: yes. Observed: 25 variant alleles.
Comment: SPTAN1: BS1

Labcorp Genetics (formerly Invitae), Labcorp
Classification: Benign for Early-infantile DEE. Last evaluated: 2026-01-28. Review status: criteria provided, single submitter. Criteria: Invitae Variant Classification Sherloc (09022015). Collection method: clinical testing. Allele origin: germline.

Blueprint Genetics
Classification: Likely benign. Last evaluated: 2024-11-26. Review status: criteria provided, single submitter. Criteria: ACMG Guidelines, 2015. Collection method: clinical testing. Allele origin: germline.

Mayo Clinic Laboratories, Mayo Clinic
Classification: Benign. Last evaluated: 2023-06-21. Review status: criteria provided, single submitter. Criteria: ACMG Guidelines, 2015. Collection method: clinical testing. Allele origin: germline. Observed: 8 variant alleles.
Comment: BA1, BS2, BP4

Genome-Nilou Lab
Classification: Benign for Developmental and epileptic encephalopathy, 5. Last evaluated: 2021-07-15. Review status: criteria provided, single submitter. Criteria: ACMG Guidelines, 2015. Collection method: clinical testing. Allele origin: germline. Affected: no.

Genetic Services Laboratory, University of Chicago
Classification: Benign. Last evaluated: 2020-10-06. Review status: criteria provided, single submitter. Criteria: ACMG Guidelines, 2015. Collection method: clinical testing. Allele origin: germline. Affected: no.

Athena Diagnostics
Classification: Benign. Last evaluated: 2018-04-25. Review status: criteria provided, single submitter. Criteria: Athena Diagnostics Criteria. Collection method: clinical testing. Allele origin: germline.

GeneDx
Classification: Benign. Last evaluated: 2017-10-19. Review status: criteria provided, single submitter. Criteria: GeneDx Variant Classification (06012015). Collection method: clinical testing. Allele origin: germline. Affected: yes.
Comment: This variant is considered likely benign or benign based on one or more of the following criteria: it is a conservative change, it occurs at a poorly conserved position in the protein, it is predicted to be benign by multiple in silico algorithms, and/or has population frequency not consistent with disease.

Ambry Genetics
Classification: Benign for Inborn genetic diseases. Last evaluated: 2016-07-07. Review status: criteria provided, single submitter. Criteria: Ambry Variant Classification Scheme 2023. Collection method: clinical testing. Allele origin: germline.

Eurofins Ntd Llc (ga)
Classification: Likely benign. Last evaluated: 2014-07-15. Review status: criteria provided, single submitter. Criteria: EGL Classification Definitions 2015. Collection method: clinical testing. Allele origin: germline. Observed: 2 variant alleles, 2 heterozygotes.

NM_001130438.3(SPTAN1):c.1511C>T (p.Ala504Val)

Gene: SPTAN1 (spectrin alpha, non-erythrocytic 1; plus strand). Cytogenetic location: 9q34.11.
Variant type: single nucleotide variant.
Coding change: c.1511C>T on transcript NM_001130438.3 (MANE Select); coding-DNA position 1511, C replaced by T.
Protein change: p.Ala504Val; replaces alanine 504 with valine.
Molecular consequence: missense variant.
Genome position (GRCh38, 1-based): chr9:128,581,831, C>T. VCF-style: chr9-128581831-C-T. GRCh37 (hg19) VCF-style: chr9-131344110-C-T.
Other names: p.Ala504Val; c.1511C>T, p.Ala504Val (NM_001195532.2, NM_001363759.2, NM_001363765.2 and 1 more transcripts); short protein forms A504V.
Identifiers: ClinVar variation 194026 (VCV000194026.86), dbSNP rs148727077, ClinGen allele CA200921.